The following is an entry in ClinVar:

ClinVar aggregate classification (germline): Pathogenic (1 of 4 stars; one submission).

Conditions:
Fabry disease. Also called: CERAMIDE TRIHEXOSIDASE DEFICIENCY; GLA DEFICIENCY; HEREDITARY DYSTOPIC LIPIDOSIS; Fabry's disease; ALPHA-GALACTOSIDASE A DEFICIENCY; ANDERSON-FABRY DISEASE. Identifiers: Orphanet 324, MedGen C0002986, MONDO:0010526, OMIM 301500, HP:0001071. Disease mechanism: Fabry disease is due to inactivating mutations in the X-linked GLA gene resulting in deficiency of the enzyme Alpha Galactosidase-A., loss of function.

Submission:

Labcorp Genetics (formerly Invitae), Labcorp
Classification: Pathogenic for Fabry disease. Last evaluated: 2021-05-17. Review status: criteria provided, single submitter. Criteria: Invitae Variant Classification Sherloc (09022015). Collection method: clinical testing. Allele origin: germline.
Comment: This sequence change replaces glycine with valine at codon 373 of the GLA protein (p.Gly373Val). The glycine residue is highly conserved and there is a moderate physicochemical difference between glycine and valine. This variant is not present in population databases (ExAC no frequency). This variant has been observed in individual(s) with Fabry disease (Invitae). In at least one individual the variant was observed to be de novo. Algorithms developed to predict the effect of missense changes on protein structure and function are either unavailable or do not agree on the potential impact of this missense change (SIFT: "Tolerated"; PolyPhen-2: "Probably Damaging"; Align-GVGD: "Class C0"). This variant disrupts the p.Gly373 amino acid residue in GLA. Other variant(s) that disrupt this residue have been determined to be pathogenic (PMID: 11295840, 23935525). This suggests that this residue is clinically significant, and that variants that disrupt this residue are likely to be disease-causing. For these reasons, this variant has been classified as Pathogenic.

Literature cited by the submitters: PubMed 11295840; PubMed 23935525.

NM_000169.3(GLA):c.1118G>T (p.Gly373Val)

Genes: GLA (galactosidase alpha; minus strand), RPL36A-HNRNPH2 (RPL36A-HNRNPH2 readthrough; plus strand). Cytogenetic location: Xq22.1.
Variant type: single nucleotide variant.
Coding change: c.1118G>T on transcript NM_000169.3 (MANE Select); coding-DNA position 1118, G replaced by T.
Protein change: p.Gly373Val; replaces glycine 373 with valine.
Molecular consequence: missense variant. On other transcripts: non-coding transcript variant (3), intron variant (2).
Genome position (GRCh38, 1-based): chrX:101,397,981, C>A on the plus strand (G>T on the coding strand, the complement: GLA is on the minus strand). VCF-style: chrX-101397981-C-A. GRCh37 (hg19) VCF-style: chrX-100652969-C-A.
Other names: c.1241G>T, p.Gly414Val (NM_001406747.1); c.300+2524C>A (NM_001199973.2); c.177+6159C>A (NM_001199974.2); short protein forms G373V, G414V.
Identifiers: ClinVar variation 1455444 (VCV001455444.8), dbSNP rs869312227, ClinGen allele CA413920532.